The following is an entry in ClinVar:

NM_003742.4(ABCB11):c.1678A>G (p.Ser560Gly)

Gene: ABCB11 (ATP binding cassette subfamily B member 11; minus strand). Cytogenetic location: 2q31.1.
Variant type: single nucleotide variant.
Coding change: c.1678A>G on transcript NM_003742.4 (MANE Select); coding-DNA position 1678, A replaced by G.
Protein change: p.Ser560Gly; replaces serine 560 with glycine.
Molecular consequence: missense variant.
Genome position (GRCh38, 1-based): chr2:168,970,176, T>C on the plus strand (A>G on the coding strand, the complement: ABCB11 is on the minus strand). VCF-style: chr2-168970176-T-C. GRCh37 (hg19) VCF-style: chr2-169826686-T-C.
Other names: short protein forms S560G.
Identifiers: ClinVar variation 3707072 (VCV003707072.2).

ClinVar aggregate classification (germline): Uncertain significance (1 of 4 stars; one submission).

gnomAD v4.1: 1 of 1,612,576 alleles (0.000062%); highest among the groups gnomAD compares: Non-Finnish European, 0.000085%; no homozygotes.

Submission:

Labcorp Genetics (formerly Invitae), Labcorp
Classification: Uncertain significance. Last evaluated: 2024-10-28. Review status: criteria provided, single submitter. Criteria: Invitae Variant Classification Sherloc (09022015). Collection method: clinical testing. Allele origin: germline.
Comment: This sequence change replaces serine, which is neutral and polar, with glycine, which is neutral and non-polar, at codon 560 of the ABCB11 protein (p.Ser560Gly). This variant is not present in population databases (gnomAD no frequency). This variant has not been reported in the literature in individuals affected with ABCB11-related conditions. Invitae Evidence Modeling of protein sequence and biophysical properties (such as structural, functional, and spatial information, amino acid conservation, physicochemical variation, residue mobility, and thermodynamic stability) indicates that this missense variant is expected to disrupt ABCB11 protein function with a positive predictive value of 95%. In summary, the available evidence is currently insufficient to determine the role of this variant in disease. Therefore, it has been classified as a Variant of Uncertain Significance.